The following is an entry in ClinVar:

ClinVar aggregate classification (germline): Conflicting classifications of pathogenicity. Review status: criteria provided, conflicting classifications (1 of 4 stars). 3 submissions from 3 submitters: Uncertain significance (2); Likely benign (1). Last evaluated 2026-04-01.

Conditions:
Inborn genetic diseases. Identifiers: MedGen C0950123, MeSH D030342.

Allele frequency attached by ClinVar (database versions not stated): ExAC 0.00002; TOPMed 0.00002; gnomAD 0.00003; ESP Exome Variant Server 0.00008.
gnomAD v4.1: 105 of 1,614,008 alleles (0.0065%); highest among the groups gnomAD compares: Non-Finnish European, 0.0081%; no homozygotes.

Submissions (3):

CeGaT Center for Human Genetics Tuebingen
Classification: Likely benign. Last evaluated: 2026-04-01. Review status: criteria provided, single submitter. Criteria: CeGaT Center For Human Genetics Tuebingen Variant Classification Criteria Version 2. Collection method: clinical testing. Allele origin: germline. Affected: yes. Observed: 1 variant allele.
Comment: TTBK2: BP4

Ambry Genetics
Classification: Uncertain significance for Inborn genetic diseases. Last evaluated: 2025-12-15. Review status: criteria provided, single submitter. Criteria: Ambry Variant Classification Scheme 2023. Collection method: clinical testing. Allele origin: germline.

Athena Diagnostics
Classification: Uncertain significance. Last evaluated: 2022-10-03. Review status: criteria provided, single submitter. Criteria: Athena Diagnostics Criteria. Collection method: clinical testing. Allele origin: unknown.
Comment: Available data are insufficient to determine the clinical significance of the variant at this time. The frequency of this variant in the general population is uninformative in assessment of its pathogenicity. Computational tools predict that this variant is not damaging.

NM_173500.4(TTBK2):c.934T>A (p.Ser312Thr)

Gene: TTBK2 (tau tubulin kinase 2; minus strand). Cytogenetic location: 15q15.2.
Variant type: single nucleotide variant.
Coding change: c.934T>A on transcript NM_173500.4 (MANE Select); coding-DNA position 934, T replaced by A.
Protein change: p.Ser312Thr; replaces serine 312 with threonine.
Molecular consequence: missense variant.
Genome position (GRCh38, 1-based): chr15:42,794,690, A>T on the plus strand (T>A on the coding strand, the complement: TTBK2 is on the minus strand). VCF-style: chr15-42794690-A-T. GRCh37 (hg19) VCF-style: chr15-43086888-A-T.
Other names: short protein forms S312T.
Identifiers: ClinVar variation 2684073 (VCV002684073.4), dbSNP rs370732710, ClinGen allele CA7517002.